The following is an entry in ClinVar:

NM_001163435.3(TBCK):c.2109G>A (p.Trp703Ter)

Gene: TBCK (TBC1 domain containing kinase; minus strand). Cytogenetic location: 4q24.
Variant type: single nucleotide variant.
Coding change: c.2109G>A on transcript NM_001163435.3 (MANE Select); coding-DNA position 2109, G replaced by A.
Protein change: p.Trp703Ter; replaces tryptophan 703 with a stop codon.
Molecular consequence: nonsense.
Genome position (GRCh38, 1-based): chr4:106,171,221, C>T on the plus strand (G>A on the coding strand, the complement: TBCK is on the minus strand). VCF-style: chr4-106171221-C-T. GRCh37 (hg19) VCF-style: chr4-107092378-C-T.
Other names: c.2109G>A, p.Trp703Ter (NM_001163436.4); c.1992G>A, p.Trp664Ter (NM_001163437.3); c.1593G>A, p.Trp531Ter (NM_001290768.2); c.1920G>A, p.Trp640Ter (NM_033115.5); short protein forms W703*, W640*, W664*, W531*.
Identifiers: ClinVar variation 4716876 (VCV004716876.1).

ClinVar aggregate classification (germline): Pathogenic (1 of 4 stars; one submission).

gnomAD v4.1: 1 of 1,611,690 alleles (0.000062%); highest among the groups gnomAD compares: African/African-American, 0.0013%; no homozygotes.

Submission:

Labcorp Genetics (formerly Invitae), Labcorp
Classification: Pathogenic. Last evaluated: 2025-04-08. Review status: criteria provided, single submitter. Criteria: Invitae Variant Classification Sherloc (09022015). Collection method: clinical testing. Allele origin: germline.
Comment: This sequence change creates a premature translational stop signal (p.Trp703*) in the TBCK gene. It is expected to result in an absent or disrupted protein product. Loss-of-function variants in TBCK are known to be pathogenic (PMID: 27040692, 30103036). This variant is not present in population databases (gnomAD no frequency). This variant has not been reported in the literature in individuals affected with TBCK-related conditions. For these reasons, this variant has been classified as Pathogenic.

Literature cited by the submitters: PubMed 27040692; PubMed 30103036.